The following is an entry in ClinVar:

ClinVar aggregate classification (germline): Uncertain significance (1 of 4 stars; one submission).

Conditions:
Emery-Dreifuss muscular dystrophy 4, autosomal dominant (EDMD4). Also called: EMERY-DREIFUSS MUSCULAR DYSTROPHY 4 WITH VARIABLE FEATURES. Identifiers: Orphanet 261, MedGen C2751807, MONDO:0013071, OMIM 612998.
Autosomal recessive ataxia, Beauce type. Also called: Spinocerebellar ataxia, autosomal recessive 8; ATAXIA, RECESSIVE, OF BEAUCE; SYNE1 Deficiency; SYNE1-Related Autosomal Recessive Cerebellar Ataxia. Identifiers: Orphanet 88644, MedGen C1853116, MONDO:0012549, OMIM 610743.

Allele frequency attached by ClinVar (database versions not stated): TOPMed 0.00001.

Submission:

Labcorp Genetics (formerly Invitae), Labcorp
Classification: Uncertain significance for Emery-Dreifuss muscular dystrophy 4, autosomal dominant; Autosomal recessive ataxia, Beauce type. Last evaluated: 2024-12-02. Review status: criteria provided, single submitter. Criteria: Invitae Variant Classification Sherloc (09022015). Collection method: clinical testing. Allele origin: germline.
Comment: This sequence change replaces asparagine, which is neutral and polar, with lysine, which is basic and polar, at codon 2084 of the SYNE1 protein (p.Asn2084Lys). This variant is not present in population databases (gnomAD no frequency). This variant has not been reported in the literature in individuals affected with SYNE1-related conditions. ClinVar contains an entry for this variant (Variation ID: 1421303). An algorithm developed to predict the effect of missense changes on protein structure and function (PolyPhen-2) suggests that this variant is likely to be tolerated. In summary, the available evidence is currently insufficient to determine the role of this variant in disease. Therefore, it has been classified as a Variant of Uncertain Significance.

NM_182961.4(SYNE1):c.6231T>G (p.Asn2077Lys)

Gene: SYNE1 (spectrin repeat containing nuclear envelope protein 1; minus strand). Cytogenetic location: 6q25.2.
Variant type: single nucleotide variant.
Coding change: c.6231T>G on transcript NM_182961.4 (MANE Select); coding-DNA position 6231, T replaced by G.
Protein change: p.Asn2077Lys; replaces asparagine 2077 with lysine.
Molecular consequence: missense variant.
Genome position (GRCh38, 1-based): chr6:152,409,709, A>C on the plus strand (T>G on the coding strand, the complement: SYNE1 is on the minus strand). VCF-style: chr6-152409709-A-C. GRCh37 (hg19) VCF-style: chr6-152730844-A-C.
Other names: c.6252T>G, p.Asn2084Lys (NM_033071.5); short protein forms N2077K, N2084K.
Identifiers: ClinVar variation 1421303 (VCV001421303.6), dbSNP rs2097980458, ClinGen allele CA366127866.
Genomic context (GRCh38, chr6:152,409,709, plus strand): 5'-AGCTGATTTCAGGTTCTGATATTCTCTCATTAAGTCAATAAGTCCACAGCACTGACCCTG[A>C]CTGTAATGATTAAAGAAAATATATTATTTGGTGTCATGTATCAGGAAAAGGGAGAGTTGC-3'
Protein context (NP_892006.3, residues 2067-2087): WDDTKRLIHE[Asn2077Lys]QGQCCGLIDL